The following is an entry in ClinVar:

ClinVar aggregate classification (germline): Uncertain significance (1 of 4 stars; one submission).

Conditions:
Sulfite oxidase deficiency. Also called: Isolated sulfite oxidase deficiency. Identifiers: Orphanet 833, Orphanet 99731, MedGen C0268624, MONDO:0010089, OMIM 272300, HP:0003643.

Allele frequency attached by ClinVar (database versions not stated): gnomAD exomes below 0.00001; TOPMed below 0.00001; ExAC 0.00001; gnomAD 0.00001.
gnomAD v4.1: 5 of 1,613,920 alleles (0.00031%); highest among the groups gnomAD compares: Admixed American, 0.0017%; no homozygotes.

Submission:

Labcorp Genetics (formerly Invitae), Labcorp
Classification: Uncertain significance for Sulfite oxidase deficiency. Last evaluated: 2021-11-17. Review status: criteria provided, single submitter. Criteria: Invitae Variant Classification Sherloc (09022015). Collection method: clinical testing. Allele origin: germline.
Comment: This sequence change replaces tyrosine, which is neutral and polar, with cysteine, which is neutral and slightly polar, at codon 330 of the SUOX protein (p.Tyr330Cys). This variant is present in population databases (rs767860898, gnomAD 0.0009%). This variant has not been reported in the literature in individuals affected with SUOX-related conditions. Algorithms developed to predict the effect of missense changes on protein structure and function are either unavailable or do not agree on the potential impact of this missense change (SIFT: "Deleterious"; PolyPhen-2: "Probably Damaging"; Align-GVGD: "Class C0"). In summary, the available evidence is currently insufficient to determine the role of this variant in disease. Therefore, it has been classified as a Variant of Uncertain Significance.

NM_001032386.2(SUOX):c.989A>G (p.Tyr330Cys)

Gene: SUOX (sulfite oxidase; plus strand). Cytogenetic location: 12q13.2.
Variant type: single nucleotide variant.
Coding change: c.989A>G on transcript NM_001032386.2 (MANE Select); coding-DNA position 989, A replaced by G.
Protein change: p.Tyr330Cys; replaces tyrosine 330 with cysteine.
Molecular consequence: missense variant.
Genome position (GRCh38, 1-based): chr12:56,004,378, A>G. VCF-style: chr12-56004378-A-G. GRCh37 (hg19) VCF-style: chr12-56398162-A-G.
Other names: c.989A>G, p.Tyr330Cys (NM_000456.3, NM_001032387.2); short protein forms Y330C.
Identifiers: ClinVar variation 1393770 (VCV001393770.4), dbSNP rs767860898, ClinGen allele CA6621076.